The following is an entry in ClinVar:

ClinVar aggregate classification (germline): Uncertain significance (1 of 4 stars; one submission).

Submission:

GeneDx
Classification: Uncertain significance. Last evaluated: 2023-11-20. Review status: criteria provided, single submitter. Criteria: GeneDx Variant Classification Process June 2021. Collection method: clinical testing. Allele origin: germline. Affected: yes.
Comment: Not observed at significant frequency in large population cohorts (gnomAD); In silico analysis supports that this missense variant has a deleterious effect on protein structure/function; Has not been previously published as pathogenic or benign to our knowledge

NM_170606.3(KMT2C):c.11893G>T (p.Gly3965Cys)

Gene: KMT2C (lysine methyltransferase 2C; minus strand). Cytogenetic location: 7q36.1.
Variant type: single nucleotide variant.
Coding change: c.11893G>T on transcript NM_170606.3 (MANE Select); coding-DNA position 11893, G replaced by T.
Protein change: p.Gly3965Cys; replaces glycine 3965 with cysteine.
Molecular consequence: missense variant.
Genome position (GRCh38, 1-based): chr7:152,155,977, C>A on the plus strand (G>T on the coding strand, the complement: KMT2C is on the minus strand). VCF-style: chr7-152155977-C-A. GRCh37 (hg19) VCF-style: chr7-151853062-C-A.
Other names: short protein forms G3965C.
Identifiers: ClinVar variation 3364659 (VCV003364659.1).